The following is an entry in ClinVar:

ClinVar aggregate classification (germline): Uncertain significance (1 of 4 stars; one submission).

Allele frequency attached by ClinVar (database versions not stated): gnomAD 0.00001; TOPMed 0.00001.
gnomAD v4.1: 2 of 1,549,654 alleles (0.00013%); highest among the groups gnomAD compares: African/African-American, 0.0027%; no homozygotes.

Submission:

Labcorp Genetics (formerly Invitae), Labcorp
Classification: Uncertain significance. Last evaluated: 2021-12-14. Review status: criteria provided, single submitter. Criteria: Invitae Variant Classification Sherloc (09022015). Collection method: clinical testing. Allele origin: germline.
Comment: This variant has not been reported in the literature in individuals affected with ZNF469-related conditions. This variant is present in population databases (no rsID available, gnomAD 0.01%). This sequence change replaces proline, which is neutral and non-polar, with histidine, which is basic and polar, at codon 706 of the ZNF469 protein (p.Pro706His). Algorithms developed to predict the effect of missense changes on protein structure and function are either unavailable or do not agree on the potential impact of this missense change (SIFT: "Tolerated"; PolyPhen-2: "Possibly Damaging"; Align-GVGD: "Class C0"). In summary, the available evidence is currently insufficient to determine the role of this variant in disease. Therefore, it has been classified as a Variant of Uncertain Significance.

NM_001367624.2(ZNF469):c.2117C>A (p.Pro706His)

Gene: ZNF469 (zinc finger protein 469; plus strand). Cytogenetic location: 16q24.2.
Variant type: single nucleotide variant.
Coding change: c.2117C>A on transcript NM_001367624.2 (MANE Select); coding-DNA position 2117, C replaced by A.
Protein change: p.Pro706His; replaces proline 706 with histidine.
Molecular consequence: missense variant.
Genome position (GRCh38, 1-based): chr16:88,429,587, C>A. VCF-style: chr16-88429587-C-A. GRCh37 (hg19) VCF-style: chr16-88495995-C-A.
Other names: short protein forms P706H.
Identifiers: ClinVar variation 2042595 (VCV002042595.4), dbSNP rs1327851765, ClinGen allele CA397069912.